The following is an entry in ClinVar:

NM_006739.4(MCM5):c.1535C>T (p.Ser512Leu)

Gene: MCM5 (minichromosome maintenance complex component 5; plus strand). Cytogenetic location: 22q12.3.
Variant type: single nucleotide variant.
Coding change: c.1535C>T on transcript NM_006739.4 (MANE Select); coding-DNA position 1535, C replaced by T.
Protein change: p.Ser512Leu; replaces serine 512 with leucine.
Molecular consequence: missense variant.
Genome position (GRCh38, 1-based): chr22:35,416,759, C>T. VCF-style: chr22-35416759-C-T. GRCh37 (hg19) VCF-style: chr22-35812752-C-T.
Other names: short protein forms S512L.
Identifiers: ClinVar variation 2967923 (VCV002967923.3), dbSNP rs1057415451, ClinGen allele CA323494377.

ClinVar aggregate classification (germline): Uncertain significance (1 of 4 stars; one submission).

Allele frequency attached by ClinVar (database versions not stated): TOPMed 0.00001; gnomAD exomes below 0.00001.
gnomAD v4.1: 6 of 1,614,086 alleles (0.00037%); highest among the groups gnomAD compares: Non-Finnish European, 0.00051%; no homozygotes.

Submission:

Labcorp Genetics (formerly Invitae), Labcorp
Classification: Uncertain significance. Last evaluated: 2025-09-11. Review status: criteria provided, single submitter. Criteria: Invitae Variant Classification Sherloc (09022015). Collection method: clinical testing. Allele origin: germline.
Comment: This sequence change replaces serine, which is neutral and polar, with leucine, which is neutral and non-polar, at codon 512 of the MCM5 protein (p.Ser512Leu). This variant is present in population databases (no rsID available, gnomAD 0.002%). This variant has not been reported in the literature in individuals affected with MCM5-related conditions. ClinVar contains an entry for this variant (Variation ID: 2967923). Invitae Evidence Modeling of protein sequence and biophysical properties (such as structural, functional, and spatial information, amino acid conservation, physicochemical variation, residue mobility, and thermodynamic stability) indicates that this missense variant is expected to disrupt MCM5 protein function with a positive predictive value of 80%. In summary, the available evidence is currently insufficient to determine the role of this variant in disease. Therefore, it has been classified as a Variant of Uncertain Significance.